The following is an entry in ClinVar:

NM_030973.4(MED25):c.20G>T (p.Gly7Val)

Gene: MED25 (mediator complex subunit 25; plus strand). Cytogenetic location: 19q13.33.
Variant type: single nucleotide variant.
Coding change: c.20G>T on transcript NM_030973.4 (MANE Select); coding-DNA position 20, G replaced by T.
Protein change: p.Gly7Val; replaces glycine 7 with valine.
Molecular consequence: missense variant.
Genome position (GRCh38, 1-based): chr19:49,818,361, G>T. VCF-style: chr19-49818361-G-T. GRCh37 (hg19) VCF-style: chr19-50321618-G-T.
Other names: c.20G>T, p.Gly7Val (NM_001378355.1); short protein forms G7V.
Identifiers: ClinVar variation 1372364 (VCV001372364.8), dbSNP rs2123860220, ClinGen allele CA406908253.

ClinVar aggregate classification (germline): Uncertain significance (1 of 4 stars; one submission).

Conditions:
Charcot-Marie-Tooth disease type 2. Also called: Charcot-Marie-Tooth type 2. Identifiers: Orphanet 64746, MedGen C0270914, MONDO:0018993.

Allele frequency attached by ClinVar (database versions not stated): gnomAD exomes below 0.00001.
gnomAD v4.1: 1 of 1,604,502 alleles (0.000062%); highest among the groups gnomAD compares: South Asian, 0.0011%; no homozygotes.

Submission:

Labcorp Genetics (formerly Invitae), Labcorp
Classification: Uncertain significance for Charcot-Marie-Tooth disease type 2. Last evaluated: 2021-02-14. Review status: criteria provided, single submitter. Criteria: Invitae Variant Classification Sherloc (09022015). Collection method: clinical testing. Allele origin: germline.
Comment: In summary, the available evidence is currently insufficient to determine the role of this variant in disease. Therefore, it has been classified as a Variant of Uncertain Significance. Algorithms developed to predict the effect of missense changes on protein structure and function (SIFT, PolyPhen-2, Align-GVGD) all suggest that this variant is likely to be tolerated, but these predictions have not been confirmed by published functional studies and their clinical significance is uncertain. This variant has not been reported in the literature in individuals with MED25-related conditions. This variant is not present in population databases (ExAC no frequency). This sequence change replaces glycine with valine at codon 7 of the MED25 protein (p.Gly7Val). The glycine residue is moderately conserved and there is a moderate physicochemical difference between glycine and valine.